The following is an entry in ClinVar:

NM_000465.4(BARD1):c.1874T>A (p.Leu625His)

Gene: BARD1 (BRCA1 associated RING domain 1; minus strand). Cytogenetic location: 2q35.
Variant type: single nucleotide variant.
Coding change: c.1874T>A on transcript NM_000465.4 (MANE Select); coding-DNA position 1874, T replaced by A.
Protein change: p.Leu625His; replaces leucine 625 with histidine.
Molecular consequence: missense variant. On other transcripts: non-coding transcript variant (3), intron variant (1).
Genome position (GRCh38, 1-based): chr2:214,745,096, A>T on the plus strand (T>A on the coding strand, the complement: BARD1 is on the minus strand). VCF-style: chr2-214745096-A-T. GRCh37 (hg19) VCF-style: chr2-215609820-A-T.
Other names: c.1817T>A, p.Leu606His (NM_001282543.2); c.521T>A, p.Leu174His (NM_001282545.2); c.464T>A, p.Leu155His (NM_001282548.2); c.365-14588T>A (NM_001282549.2); c.1874T>A (NM_000465.2); short protein forms L174H, L606H, L155H, L625H.
Identifiers: ClinVar variation 924305 (VCV000924305.12), dbSNP rs1217702482, ClinGen allele CA350452113.

ClinVar aggregate classification (germline): Uncertain significance. Review status: criteria provided, multiple submitters, no conflicts (2 of 4 stars). 3 submissions from 3 submitters: Uncertain significance (3). Last evaluated 2024-07-01.

Conditions:
Hereditary cancer-predisposing syndrome. Also called: Neoplastic Syndromes, Hereditary; Tumor predisposition; Hereditary Cancer Syndrome; Hereditary neoplastic syndrome. Identifiers: Orphanet 140162, MedGen C0027672, MeSH D009386, MONDO:0015356.
Familial cancer of breast. Also called: BREAST CANCER, FAMILIAL; Hereditary breast cancer; hereditary breast carcinoma. Identifiers: Orphanet 227535, MedGen C0346153, MONDO:0016419, OMIM 114480. Disease mechanism: loss of function.

gnomAD v4.1: 1 of 1,614,060 alleles (0.000062%); highest among the groups gnomAD compares: Non-Finnish European, 0.000085%; no homozygotes.

Submissions (3):

Ambry Genetics
Classification: Uncertain significance for Hereditary cancer-predisposing syndrome. Last evaluated: 2024-07-01. Review status: criteria provided, single submitter. Criteria: Ambry Variant Classification Scheme 2023. Collection method: clinical testing. Allele origin: germline.
Comment: The p.L625H variant (also known as c.1874T>A), located in coding exon 9 of the BARD1 gene, results from a T to A substitution at nucleotide position 1874. The leucine at codon 625 is replaced by histidine, an amino acid with similar properties. This amino acid position is well conserved in available vertebrate species. In addition, this alteration is predicted to be deleterious by in silico analysis. Based on the available evidence, the clinical significance of this variant remains unclear.

Color Diagnostics, LLC DBA Color Health
Classification: Uncertain significance for Hereditary cancer-predisposing syndrome. Last evaluated: 2023-12-05. Review status: criteria provided, single submitter. Criteria: ACMG Guidelines, 2015. Collection method: clinical testing. Allele origin: germline.
Comment: This missense variant replaces leucine with histidine at codon 625 of the BARD1 protein. Computational prediction suggests that this variant may not impact protein structure and function (internally defined REVEL score threshold <= 0.5, PMID: 27666373). To our knowledge, functional studies have not been reported for this variant. This variant has not been reported in individuals affected with BARD1-related disorders in the literature. This variant has not been identified in the general population by the Genome Aggregation Database (gnomAD). The available evidence is insufficient to determine the role of this variant in disease conclusively. Therefore, this variant is classified as a Variant of Uncertain Significance.

Labcorp Genetics (formerly Invitae), Labcorp
Classification: Uncertain significance for Familial cancer of breast. Last evaluated: 2022-05-31. Review status: criteria provided, single submitter. Criteria: Invitae Variant Classification Sherloc (09022015). Collection method: clinical testing. Allele origin: germline.
Comment: This sequence change replaces leucine, which is neutral and non-polar, with histidine, which is basic and polar, at codon 625 of the BARD1 protein (p.Leu625His). This variant is not present in population databases (gnomAD no frequency). This variant has not been reported in the literature in individuals affected with BARD1-related conditions. ClinVar contains an entry for this variant (Variation ID: 924305). Algorithms developed to predict the effect of missense changes on protein structure and function (SIFT, PolyPhen-2, Align-GVGD) all suggest that this variant is likely to be disruptive. In summary, the available evidence is currently insufficient to determine the role of this variant in disease. Therefore, it has been classified as a Variant of Uncertain Significance.